The following is an entry in ClinVar:

ClinVar aggregate classification (germline): Uncertain significance (0 of 4 stars; one submission).

Conditions:
SEMA3F-related disorder. Also called: SEMA3F-related condition.

Allele frequency attached by ClinVar (database versions not stated): gnomAD exomes below 0.00001.
gnomAD v4.1: 1 of 1,613,734 alleles (0.000062%); highest among the groups gnomAD compares: Admixed American, 0.0017%; no homozygotes.

Submission:

PreventionGenetics, part of Exact Sciences
Classification: Uncertain significance for SEMA3F-related condition. Last evaluated: 2024-06-19. Review status: no assertion criteria provided. Collection method: clinical testing. Allele origin: germline.
Comment: The SEMA3F c.341A>G variant is predicted to result in the amino acid substitution p.Glu114Gly. To our knowledge, this variant has not been reported in the literature. This variant is reported in 0.0029% of alleles in individuals of Latino descent in gnomAD. At this time, the clinical significance of this variant is uncertain due to the absence of conclusive functional and genetic evidence.

NM_004186.5(SEMA3F):c.341A>G (p.Glu114Gly)

Gene: SEMA3F (semaphorin 3F; plus strand). Cytogenetic location: 3p21.31.
Variant type: single nucleotide variant.
Coding change: c.341A>G on transcript NM_004186.5 (MANE Select); coding-DNA position 341, A replaced by G.
Protein change: p.Glu114Gly; replaces glutamic acid 114 with glycine.
Molecular consequence: missense variant.
Genome position (GRCh38, 1-based): chr3:50,174,235, A>G. VCF-style: chr3-50174235-A-G. GRCh37 (hg19) VCF-style: chr3-50211668-A-G.
Other names: c.137A>G, p.Glu46Gly (NM_001318798.2); c.341A>G, p.Glu114Gly (NM_001318800.2); short protein forms E114G, E46G.
Identifiers: ClinVar variation 2636766 (VCV002636766.2), dbSNP rs1464169762, ClinGen allele CA352881727.
Genomic context (GRCh38, chr3:50,174,235, plus strand): 5'-CCAGTGAGGGGGCAGGCCTGGCCAGGGCACCTATGCAGCCTTCCCTGTGGCCCCAGGGCG[A>G]GTGTGGGAACTTCGTCAGGCTCATCCAGCCCTGGAACCGAACACACCTGTATGTGTGCGG-3'
Protein context (NP_004177.3, residues 104-124): CVLSGKDVNG[Glu114Gly]CGNFVRLIQP